The following is an entry in ClinVar:

ClinVar aggregate classification (germline): Uncertain significance (1 of 4 stars; one submission).

Allele frequency attached by ClinVar (database versions not stated): TOPMed below 0.00001; gnomAD 0.00001.
gnomAD v4.1: 1 of 1,612,740 alleles (0.000062%); highest among the groups gnomAD compares: Non-Finnish European, 0.000085%; no homozygotes.

Submission:

CeGaT Center for Human Genetics Tuebingen
Classification: Uncertain significance. Last evaluated: 2024-03-01. Review status: criteria provided, single submitter. Criteria: CeGaT Center For Human Genetics Tuebingen Variant Classification Criteria Version 2. Collection method: clinical testing. Allele origin: germline. Affected: yes. Observed: 1 variant allele.
Comment: CIC: PM2:Supporting, BP4

NM_001386298.1(CIC):c.5817C>G (p.Thr1939=)

Gene: CIC (capicua transcriptional repressor; plus strand). Cytogenetic location: 19q13.2.
Variant type: single nucleotide variant.
Coding change: c.5817C>G on transcript NM_001386298.1 (MANE Select); coding-DNA position 5817, C replaced by G.
Protein change: p.Thr1939=; no amino-acid change (threonine 1939 retained).
Molecular consequence: synonymous variant.
Genome position (GRCh38, 1-based): chr19:42,292,381, C>G. VCF-style: chr19-42292381-C-G. GRCh37 (hg19) VCF-style: chr19-42796533-C-G.
Other names: c.5817C>G, p.Thr1939= (NM_001304815.2, NM_001379480.1, NM_001379482.1 and 1 more transcripts); c.3090C>G, p.Thr1030= (NM_001379484.1, NM_001379485.1, NM_015125.5).
Identifiers: ClinVar variation 3067529 (VCV003067529.21), dbSNP rs1036891947, ClinGen allele CA308631771.